The following is an entry in ClinVar:

ClinVar aggregate classification (germline): Likely benign (1 of 4 stars; one submission).

Conditions:
CDSN-related disorder. Also called: CDSN-related condition.

gnomAD v4.1: 7 of 1,601,212 alleles (0.00044%); highest among the groups gnomAD compares: Admixed American, 0.0068%; no homozygotes.

Submission:

PreventionGenetics, part of Exact Sciences
Classification: Likely benign for CDSN-related condition. Last evaluated: 2026-06-29. Review status: criteria provided, single submitter. Criteria: ACMG Guidelines, 2015. Collection method: clinical testing. Allele origin: germline.
Comment: This variant is classified as likely benign based on ACMG/AMP sequence variant interpretation guidelines (Richards et al. 2015 PMID: 25741868, with internal and published modifications).

NM_001264.5(CDSN):c.333G>A (p.Gly111=)

Genes: CDSN (corneodesmosin; minus strand), PSORS1C1 (psoriasis susceptibility 1 candidate 1; plus strand). Cytogenetic location: 6p21.33.
Variant type: single nucleotide variant.
Coding change: c.333G>A on transcript NM_001264.5 (MANE Select); coding-DNA position 333, G replaced by A.
Protein change: p.Gly111=; no amino-acid change (glycine 111 retained).
Molecular consequence: synonymous variant. On other transcripts: intron variant (1).
Genome position (GRCh38, 1-based): chr6:31,117,282, C>T on the plus strand (G>A on the coding strand, the complement: CDSN is on the minus strand). VCF-style: chr6-31117282-C-T. GRCh37 (hg19) VCF-style: chr6-31085059-C-T.
Other names: c.-229+2391C>T (NM_014068.3).
Identifiers: ClinVar variation 4979969 (VCV004979969.1).